The following is an entry in ClinVar:

NM_138927.4(SON):c.2399C>T (p.Ser800Phe)

Gene: SON (SON DNA and RNA binding protein; plus strand). Cytogenetic location: 21q22.11.
Variant type: single nucleotide variant.
Coding change: c.2399C>T on transcript NM_138927.4 (MANE Select); coding-DNA position 2399, C replaced by T.
Protein change: p.Ser800Phe; replaces serine 800 with phenylalanine.
Molecular consequence: missense variant. On other transcripts: non-coding transcript variant (1), intron variant (1).
Genome position (GRCh38, 1-based): chr21:33,551,630, C>T. VCF-style: chr21-33551630-C-T. GRCh37 (hg19) VCF-style: chr21-34923936-C-T.
Other names: c.2399C>T, p.Ser800Phe (NM_001291411.2, NM_032195.3); c.244+5251C>T (NM_001291412.3); short protein forms S800F.
Identifiers: ClinVar variation 4281788 (VCV004281788.1).
Genomic context (GRCh38, chr21:33,551,630, plus strand): 5'-CCATGGACTCCCAGATGTTAGCAACTAGCACTATGGACTCCCAGATGTTAGCAACCAGTT[C>T]CATGGACTCCCAGATGTTAGCAACCAGCTCCATGGACTCCCAGATGTTAGCAACCAGCTC-3'
Protein context (NP_620305.3, residues 790-810): TMDSQMLATS[Ser800Phe]MDSQMLATSS

ClinVar aggregate classification (germline): Uncertain significance (1 of 4 stars; one submission).

Submission:

GeneDx
Classification: Uncertain significance. Last evaluated: 2025-04-08. Review status: criteria provided, single submitter. Criteria: GeneDx Variant Classification Process June 2021. Collection method: clinical testing. Allele origin: germline. Affected: yes.
Comment: Not observed at significant frequency in large population cohorts (gnomAD); In silico analysis supports that this missense variant has a deleterious effect on protein structure/function; Has not been previously published as pathogenic or benign to our knowledge